The following is an entry in ClinVar:

NM_152296.5(ATP1A3):c.1714A>G (p.Asn572Asp)

Gene: ATP1A3 (ATPase Na+/K+ transporting subunit alpha 3; minus strand). Cytogenetic location: 19q13.2.
Variant type: single nucleotide variant.
Coding change: c.1714A>G on transcript NM_152296.5 (MANE Select); coding-DNA position 1714, A replaced by G.
Protein change: p.Asn572Asp; replaces asparagine 572 with aspartic acid.
Molecular consequence: missense variant.
Genome position (GRCh38, 1-based): chr19:41,978,243, T>C on the plus strand (A>G on the coding strand, the complement: ATP1A3 is on the minus strand). VCF-style: chr19-41978243-T-C. GRCh37 (hg19) VCF-style: chr19-42482395-T-C.
Other names: p.Asn572Asp; c.1747A>G, p.Asn583Asp (NM_001256213.2); c.1753A>G, p.Asn585Asp (NM_001256214.2); c.1753A>G (NM_001256214.1); c.1714A>G (NM_152296.3); short protein forms N572D, N583D, N585D.
Identifiers: ClinVar variation 329414 (VCV000329414.18), dbSNP rs782415633, ClinGen allele CA9467577.

ClinVar aggregate classification (germline): Conflicting classifications of pathogenicity. Review status: criteria provided, conflicting classifications (1 of 4 stars). 7 submissions from 6 submitters: Uncertain significance (1); Likely benign (6). Last evaluated 2025-11-27.

Conditions:
ATP1A3-related disorder. Also called: ATP1A3-related disorders; ATP1A3-related condition. Identifiers: MedGen CN381097.
Alternating hemiplegia of childhood 2 (AHC2). Also called: Alternating Hemiplegia of Childhood (AHC). Identifiers: Orphanet 2131, MedGen C3553788, MONDO:0013900, OMIM 614820.
Inborn genetic diseases. Identifiers: MedGen C0950123, MeSH D030342.
Dystonia 12 (DYT12). Also called: Rapid-Onset Dystonia-Parkinsonism (RDP); DYT-ATP1A3. Identifiers: Orphanet 71517, MedGen C1868681, MONDO:0007496, OMIM 128235.

Allele frequency attached by ClinVar (database versions not stated): gnomAD 0.00002 and 0.00003; TOPMed 0.00005; ExAC 0.00006; gnomAD exomes 0.00008 and 0.00021.
gnomAD v4.1: 304 of 1,613,978 alleles (0.019%); highest among the groups gnomAD compares: Non-Finnish European, 0.024%; no homozygotes.

Submissions (7):

Labcorp Genetics (formerly Invitae), Labcorp
Classification: Likely benign for Dystonia 12. Last evaluated: 2025-11-27. Review status: criteria provided, single submitter. Criteria: Invitae Variant Classification Sherloc (09022015). Collection method: clinical testing. Allele origin: germline.

Mayo Clinic Laboratories, Mayo Clinic
Classification: Likely benign. Last evaluated: 2025-08-27. Review status: criteria provided, single submitter. Criteria: ACMG Guidelines, 2015. Collection method: clinical testing. Allele origin: germline. Observed: 1 variant allele.
Comment: BS2, BP4

PreventionGenetics, part of Exact Sciences
Classification: Uncertain significance for ATP1A3-related condition. Last evaluated: 2025-01-06. Review status: criteria provided, single submitter. Criteria: ACMG Guidelines, 2015. Collection method: clinical testing. Allele origin: germline.
Comment: The ATP1A3 c.1753A>G variant is predicted to result in the amino acid substitution p.Asn585Asp. To our knowledge, this variant has not been reported in the literature. This variant is reported in 0.039% of alleles in individuals of Ashkenazi Jewish descent in gnomAD. Although we suspect that this variant may be benign, at this time, the clinical significance of this variant is uncertain due to the absence of conclusive functional and genetic evidence.

Blueprint Genetics
Classification: Likely benign. Last evaluated: 2024-08-28. Review status: criteria provided, single submitter. Criteria: ACMG Guidelines, 2015. Collection method: clinical testing. Allele origin: germline.

Ambry Genetics
Classification: Likely benign for Inborn genetic diseases. Last evaluated: 2024-01-03. Review status: criteria provided, single submitter. Criteria: Ambry Variant Classification Scheme 2023. Collection method: clinical testing. Allele origin: germline.

Illumina Laboratory Services, Illumina
Classification: Likely benign for Dystonia 12. Last evaluated: 2018-01-13. Review status: criteria provided, single submitter. Criteria: ICSL Variant Classification Criteria 13 December 2019. Collection method: clinical testing. Allele origin: germline.
Comment: This variant was observed in the ICSL laboratory as part of a predisposition screen in an ostensibly healthy population. It had not been previously curated by ICSL or reported in the Human Gene Mutation Database (HGMD: prior to June 1st, 2018), and was therefore a candidate for classification through an automated scoring system. Utilizing variant allele frequency, disease prevalence and penetrance estimates, and inheritance mode, an automated score was calculated to assess if this variant is too frequent to cause the disease. Based on the score and internal cut-off values, a variant classified as likely benign is not then subjected to further curation. The score for this variant resulted in a classification of likely benign for this disease.

Illumina Laboratory Services, Illumina
Classification: Likely benign for Alternating hemiplegia of childhood 2. Last evaluated: 2018-01-13. Review status: criteria provided, single submitter. Criteria: ICSL Variant Classification Criteria 13 December 2019. Collection method: clinical testing. Allele origin: germline.
Comment: the same text as in the submission from Illumina Laboratory Services, Illumina above.